The following is an entry in ClinVar:

ClinVar aggregate classification (germline): Conflicting classifications of pathogenicity. Review status: criteria provided, conflicting classifications (1 of 4 stars). 10 submissions from 9 submitters: Uncertain significance (1); Benign (6); Likely benign (1). 2 of the submissions do not count toward it. Last evaluated 2026-01-26.

Conditions:
Hypercholesterolemia, autosomal dominant, type B (FHCL2). Also called: Familial hypercholesterolemia 2; Familial Hypercholesterolemia Type B; APOLIPOPROTEIN B-100, FAMILIAL DEFECTIVE; APOLIPOPROTEIN B-100, FAMILIAL LIGAND-DEFECTIVE; HYPERCHOLESTEROLEMIA, FAMILIAL, DUE TO LIGAND-DEFECTIVE APOLIPOPROTEIN B; APOB-Related Familial Hypercholesterolemia, Autosomal Dominant. Identifiers: MedGen C1704417, MONDO:0007751, OMIM 144010.
Familial hypobetalipoproteinemia 1. Also called: Hypobetalipoproteinemia, normotriglyceridemic; Acanthocytosis with hypobetalipoproteinemia; APOB-Related Familial Hypobetalipoproteinemia. Identifiers: MedGen C4551990, MONDO:0014252, OMIM 615558.
Familial hypercholesterolemia. Also called: Familial hypercholesterolaemia; Familial hypercholesterolemias. Identifiers: MedGen C0020445, MONDO:0005439.
Cardiovascular phenotype. Identifiers: MedGen CN230736.

Allele frequency attached by ClinVar (database versions not stated): gnomAD 0.00008 and 0.00070; TOPMed 0.00059; gnomAD exomes 0.00124 and 0.00280; ExAC 0.00327; 1000 Genomes Project 30x 0.00484; 1000 Genomes Project 0.00539.
gnomAD v4.1: 1,921 of 1,614,194 alleles (0.12%); highest among the groups gnomAD compares: South Asian, 1.8%; 41 homozygotes.

Submissions (10):

Labcorp Genetics (formerly Invitae), Labcorp
Classification: Benign for Familial hypobetalipoproteinemia 1; Hypercholesterolemia, autosomal dominant, type B. Last evaluated: 2026-01-26. Review status: criteria provided, single submitter. Criteria: Invitae Variant Classification Sherloc (09022015). Collection method: clinical testing. Allele origin: germline.

Molecular Diagnostic Laboratory for Inherited Cardiovascular Disease, Montreal Heart Institute
Classification: Benign. Last evaluated: 2025-04-09. Review status: criteria provided, single submitter. Criteria: ACMG Guidelines, 2015. Collection method: clinical testing. Allele origin: germline. Affected: no.

GENinCode PLC
Classification: Benign for Familial hypercholesterolemia. Last evaluated: 2023-06-20. Review status: criteria provided, single submitter. Criteria: ACMG Guidelines, 2015. Collection method: clinical testing. Allele origin: germline.

Quest Diagnostics Nichols Institute San Juan Capistrano
Classification: Benign. Last evaluated: 2023-04-25. Review status: criteria provided, single submitter. Criteria: Quest Diagnostics criteria. Collection method: clinical testing. Allele origin: unknown.

GeneDx
Classification: Benign. Last evaluated: 2018-10-29. Review status: criteria provided, single submitter. Criteria: GeneDx Variant Classification Process June 2021. Collection method: clinical testing. Allele origin: germline. Affected: yes.

Illumina Laboratory Services, Illumina
Classification: Uncertain significance for Familial hypobetalipoproteinemia 1. Last evaluated: 2018-01-12. Review status: criteria provided, single submitter. Criteria: ICSL Variant Classification Criteria 13 December 2019. Collection method: clinical testing. Allele origin: germline.

Illumina Laboratory Services, Illumina
Classification: Likely benign for Hypercholesterolemia, autosomal dominant, type B. Last evaluated: 2018-01-12. Review status: criteria provided, single submitter. Criteria: ICSL Variant Classification Criteria 13 December 2019. Collection method: clinical testing. Allele origin: germline.
Comment: This variant was observed in the ICSL laboratory as part of a predisposition screen in an ostensibly healthy population. It had not been previously curated by ICSL or reported in the Human Gene Mutation Database (HGMD: prior to June 1st, 2018), and was therefore a candidate for classification through an automated scoring system. Utilizing variant allele frequency, disease prevalence and penetrance estimates, and inheritance mode, an automated score was calculated to assess if this variant is too frequent to cause the disease. Based on the score and internal cut-off values, a variant classified as likely benign is not then subjected to further curation. The score for this variant resulted in a classification of likely benign for this disease.

Ambry Genetics
Classification: Benign for Cardiovascular phenotype. Last evaluated: 2017-06-09. Review status: criteria provided, single submitter. Criteria: Ambry Variant Classification Scheme 2023. Collection method: clinical testing. Allele origin: germline.

Clinical Genetics DNA and cytogenetics Diagnostics Lab, Erasmus MC, Erasmus Medical Center
Classification: Benign. Review status: no assertion criteria provided. Collection method: clinical testing. Allele origin: germline. Affected: yes. Study: VKGL Data-share Consensus. Not counted in ClinVar's aggregate classification.

Clinical Genetics, Academic Medical Center
Classification: Benign. Review status: no assertion criteria provided. Collection method: clinical testing. Allele origin: germline. Affected: yes. Study: VKGL Data-share Consensus. Not counted in ClinVar's aggregate classification.

NM_000384.3(APOB):c.2823A>G (p.Thr941=)

Gene: APOB (apolipoprotein B; minus strand). Cytogenetic location: 2p24.1.
Variant type: single nucleotide variant.
Coding change: c.2823A>G on transcript NM_000384.3 (MANE Select); coding-DNA position 2823, A replaced by G.
Protein change: p.Thr941=; no amino-acid change (threonine 941 retained).
Molecular consequence: synonymous variant.
Genome position (GRCh38, 1-based): chr2:21,019,899, T>C on the plus strand (A>G on the coding strand, the complement: APOB is on the minus strand). VCF-style: chr2-21019899-T-C. GRCh37 (hg19) VCF-style: chr2-21242771-T-C.
Identifiers: ClinVar variation 334164 (VCV000334164.29), dbSNP rs200868559, ClinGen allele CA057313.